The following is an entry in ClinVar:

NM_000090.4(COL3A1):c.1517C>T (p.Ala506Val)

Gene: COL3A1 (collagen type III alpha 1 chain; plus strand). Cytogenetic location: 2q32.2.
Variant type: single nucleotide variant.
Coding change: c.1517C>T on transcript NM_000090.4 (MANE Select); coding-DNA position 1517, C replaced by T.
Protein change: p.Ala506Val; replaces alanine 506 with valine.
Molecular consequence: missense variant.
Genome position (GRCh38, 1-based): chr2:188,995,699, C>T. VCF-style: chr2-188995699-C-T. GRCh37 (hg19) VCF-style: chr2-189860425-C-T.
Other names: short protein forms A506V.
Identifiers: ClinVar variation 1914680 (VCV001914680.8), dbSNP rs1688290908, ClinGen allele CA349852100.

ClinVar aggregate classification (germline): Uncertain significance. Review status: criteria provided, multiple submitters, no conflicts (2 of 4 stars). 3 submissions from 3 submitters: Uncertain significance (3). Last evaluated 2026-07-14.

Conditions:
Familial thoracic aortic aneurysm and aortic dissection (TAAD). Also called: Thoracic aortic aneurysms and dissections. Identifiers: Orphanet 91387, MedGen C4707243, MONDO:0019625.
Ehlers-Danlos syndrome, type 4 (EDSVASC). Also called: Ehlers-Danlos syndrome vascular type; Ehlers Danlos syndrome, ecchymotic type; Ehlers Danlos syndrome, arterial type; Ehlers Danlos syndrome, Sack-Barabas type; Ehlers-Danlos Syndrome Type IV. Identifiers: Orphanet 286, MedGen C0268338, MONDO:0017314, OMIM 130050.

Allele frequency attached by ClinVar (database versions not stated): TOPMed below 0.00001; gnomAD 0.00001.

Submissions (3):

Ambry Genetics
Classification: Uncertain significance for Familial thoracic aortic aneurysm and aortic dissection. Last evaluated: 2026-07-14. Review status: criteria provided, single submitter. Criteria: Ambry Variant Classification Scheme 2023. Collection method: clinical testing. Allele origin: germline.

Color Diagnostics, LLC DBA Color Health
Classification: Uncertain significance for Familial thoracic aortic aneurysm and aortic dissection. Last evaluated: 2024-03-06. Review status: criteria provided, single submitter. Criteria: ACMG Guidelines, 2015. Collection method: clinical testing. Allele origin: germline.
Comment: This missense variant replaces alanine with valine at codon 506 of the COL3A1 protein. Computational prediction suggests that this variant may not impact protein structure and function (internally defined REVEL score threshold <= 0.5, PMID: 27666373). To our knowledge, functional studies have not been reported for this variant. This variant has not been reported in individuals affected with cardiovascular disorders in the literature. This variant has not been identified in the general population by the Genome Aggregation Database (gnomAD). The available evidence is insufficient to determine the role of this variant in disease conclusively. Therefore, this variant is classified as a Variant of Uncertain Significance.

Labcorp Genetics (formerly Invitae), Labcorp
Classification: Uncertain significance for Ehlers-Danlos syndrome, type 4. Last evaluated: 2022-09-27. Review status: criteria provided, single submitter. Criteria: Invitae Variant Classification Sherloc (09022015). Collection method: clinical testing. Allele origin: germline.
Comment: This sequence change replaces alanine, which is neutral and non-polar, with valine, which is neutral and non-polar, at codon 506 of the COL3A1 protein (p.Ala506Val). This variant is not present in population databases (gnomAD no frequency). This variant has not been reported in the literature in individuals affected with COL3A1-related conditions. Advanced modeling of protein sequence and biophysical properties (such as structural, functional, and spatial information, amino acid conservation, physicochemical variation, residue mobility, and thermodynamic stability) performed at Invitae indicates that this missense variant is not expected to disrupt COL3A1 protein function. In summary, the available evidence is currently insufficient to determine the role of this variant in disease. Therefore, it has been classified as a Variant of Uncertain Significance.